The following is an entry in ClinVar:

ClinVar aggregate classification (germline): Uncertain significance (1 of 4 stars; one submission).

Conditions:
PPP1R12A-related disorder. Also called: PPP1R12A-related condition.

gnomAD v4.1: 1 of 1,613,492 alleles (0.000062%); highest among the groups gnomAD compares: African/African-American, 0.0013%; no homozygotes.

Submission:

PreventionGenetics, part of Exact Sciences
Classification: Uncertain significance for PPP1R12A-related condition. Last evaluated: 2026-03-17. Review status: criteria provided, single submitter. Criteria: ACMG Guidelines, 2015. Collection method: clinical testing. Allele origin: germline.
Comment: The PPP1R12A c.1906C>G variant is predicted to result in the amino acid substitution p.Pro636Ala. To our knowledge, this variant has not been reported in the literature or in a large population database (gnomAD), indicating this variant is rare. At this time, the clinical significance of this variant is uncertain due to the absence of conclusive functional and genetic evidence.

NM_002480.3(PPP1R12A):c.1906C>G (p.Pro636Ala)

Gene: PPP1R12A (protein phosphatase 1 regulatory subunit 12A; minus strand). Cytogenetic location: 12q21.2.
Variant type: single nucleotide variant.
Coding change: c.1906C>G on transcript NM_002480.3 (MANE Select); coding-DNA position 1906, C replaced by G.
Protein change: p.Pro636Ala; replaces proline 636 with alanine.
Molecular consequence: missense variant.
Genome position (GRCh38, 1-based): chr12:79,805,686, G>C on the plus strand (C>G on the coding strand, the complement: PPP1R12A is on the minus strand). VCF-style: chr12-79805686-G-C. GRCh37 (hg19) VCF-style: chr12-80199466-G-C.
Other names: c.1906C>G, p.Pro636Ala (NM_001143885.2, NM_001244990.2); c.1645C>G, p.Pro549Ala (NM_001143886.2); c.1738C>G, p.Pro580Ala (NM_001244992.1); short protein forms P549A, P636A, P580A.
Identifiers: ClinVar variation 4994017 (VCV004994017.1).